The following is an entry in ClinVar:

NC_000023.10:g.(?_31341695)_(31525590_?)dup

Gene: DMD (dystrophin; minus strand). Cytogenetic location: Xp21.2-21.1.
Variant type: Duplication.
Identifiers: ClinVar variation 2424864 (VCV002424864.4).

ClinVar aggregate classification (germline): Pathogenic (1 of 4 stars; one submission).

Conditions:
Duchenne muscular dystrophy (DMD). Also called: Duchenne Muscular Dystrophy (DMD); MUSCULAR DYSTROPHY, PSEUDOHYPERTROPHIC PROGRESSIVE, DUCHENNE TYPE. Identifiers: Orphanet 98896, MedGen C0013264, MONDO:0010679, OMIM 310200.

Submission:

Labcorp Genetics (formerly Invitae), Labcorp
Classification: Pathogenic for Duchenne muscular dystrophy. Last evaluated: 2021-10-28. Review status: criteria provided, single submitter. Criteria: Invitae Variant Classification Sherloc (09022015). Collection method: clinical testing. Allele origin: germline.
Comment: This variant results in a copy number gain of the genomic region encompassing exon(s) 56-62 of the DMD gene. While the exact position of this variant cannot be determined from the data, sub-genic copy number gains are generally in tandem (PMID: 25640679). This variant is predicted to be out-of-frame, and may result in an absent or disrupted protein product. Loss-of-function variants in DMD are known to be pathogenic (PMID: 16770791, 25007885). A similar copy number variant has been observed in individuals with Duchenne muscular dystrophy (PMID: 19602481, 28610567). For these reasons, this variant has been classified as Pathogenic.

Literature cited by the submitters: PubMed 25640679; PubMed 16770791; PubMed 25007885; PubMed 19602481; PubMed 28610567.